The following is an entry in ClinVar:

NM_001113378.2(FANCI):c.2609T>A (p.Ile870Asn)

Gene: FANCI (FA complementation group I; plus strand). Cytogenetic location: 15q26.1.
Variant type: single nucleotide variant.
Coding change: c.2609T>A on transcript NM_001113378.2 (MANE Select); coding-DNA position 2609, T replaced by A.
Protein change: p.Ile870Asn; replaces isoleucine 870 with asparagine.
Molecular consequence: missense variant. On other transcripts: intron variant (1).
Genome position (GRCh38, 1-based): chr15:89,295,067, T>A. VCF-style: chr15-89295067-T-A. GRCh37 (hg19) VCF-style: chr15-89838298-T-A.
Other names: c.2330T>A, p.Ile777Asn (NM_001376910.1); c.2609T>A, p.Ile870Asn (NM_001376911.1); c.2456+1070T>A (NM_018193.3); short protein forms I870N, I777N.
Identifiers: ClinVar variation 2751039 (VCV002751039.1), dbSNP rs2507513891, ClinGen allele CA393751092.
Genomic context (GRCh38, chr15:89,295,067, plus strand): 5'-TACAGCAGCTAAAGGAAACAGGGCATGTGAGTGGCCCTGATGGCCAAAACCCAGAAAAGA[T>A]CTTTCAGAACCTCTGTGACATAACTCGGTAAGCCACTCCCACCCCTTAGAAACTTATTCC-3'
Protein context (NP_001106849.1, residues 860-880): SGPDGQNPEK[Ile870Asn]FQNLCDITRV

ClinVar aggregate classification (germline): Uncertain significance (1 of 4 stars; one submission).

Conditions:
Fanconi anemia (FA). Also called: Fanconi's anemia. Identifiers: Orphanet 84, MedGen C0015625, MeSH D005199, MONDO:0019391.

Submission:

Labcorp Genetics (formerly Invitae), Labcorp
Classification: Uncertain significance for Fanconi anemia. Last evaluated: 2023-11-21. Review status: criteria provided, single submitter. Criteria: Invitae Variant Classification Sherloc (09022015). Collection method: clinical testing. Allele origin: germline.
Comment: This sequence change replaces isoleucine, which is neutral and non-polar, with asparagine, which is neutral and polar, at codon 870 of the FANCI protein (p.Ile870Asn). This variant is not present in population databases (gnomAD no frequency). This variant has not been reported in the literature in individuals affected with FANCI-related conditions. An algorithm developed to predict the effect of missense changes on protein structure and function (PolyPhen-2) suggests that this variant¬†is likely to be tolerated. In summary, the available evidence is currently insufficient to determine the role of this variant in disease. Therefore, it has been classified as a Variant of Uncertain Significance.